The following is an entry in ClinVar:

NM_002048.3(GAS1):c.273T>G (p.Ala91=)

Genes: GAS1 (growth arrest specific 1; minus strand), LOC130001972 (ATAC-STARR-seq lymphoblastoid silent region 19998; plus strand). Cytogenetic location: 9q21.33.
Variant type: single nucleotide variant.
Coding change: c.273T>G on transcript NM_002048.3 (MANE Select); coding-DNA position 273, T replaced by G.
Protein change: p.Ala91=; no amino-acid change (alanine 91 retained).
Molecular consequence: synonymous variant.
Genome position (GRCh38, 1-based): chr9:86,946,507, A>C on the plus strand (T>G on the coding strand, the complement: GAS1 is on the minus strand). VCF-style: chr9-86946507-A-C. GRCh37 (hg19) VCF-style: chr9-89561422-A-C.
Identifiers: ClinVar variation 3032143 (VCV003032143.2), dbSNP rs2489905633, ClinGen allele CA465984817.

ClinVar aggregate classification (germline): Likely benign (0 of 4 stars; one submission).

Conditions:
GAS1-related disorder. Also called: GAS1-related condition.

Submission:

PreventionGenetics, part of Exact Sciences
Classification: Likely benign for GAS1-related condition. Last evaluated: 2020-09-30. Review status: no assertion criteria provided. Collection method: clinical testing. Allele origin: germline.
Comment: This variant is classified as likely benign based on ACMG/AMP sequence variant interpretation guidelines (Richards et al. 2015 PMID: 25741868, with internal and published modifications).